The following is an entry in ClinVar:

NM_000535.7(PMS2):c.2157G>A (p.Gln719=)

Gene: PMS2 (PMS1 homolog 2, mismatch repair system component; minus strand). Cytogenetic location: 7p22.1.
Variant type: single nucleotide variant.
Coding change: c.2157G>A on transcript NM_000535.7 (MANE Select); coding-DNA position 2157, G replaced by A.
Protein change: p.Gln719=; no amino-acid change (glutamine 719 retained).
Molecular consequence: synonymous variant. On other transcripts: non-coding transcript variant (1).
Genome position (GRCh38, 1-based): chr7:5,982,841, C>T on the plus strand (G>A on the coding strand, the complement: PMS2 is on the minus strand). VCF-style: chr7-5982841-C-T. GRCh37 (hg19) VCF-style: chr7-6022472-C-T.
Other names: c.1752G>A, p.Gln584= (NM_001322003.2, NM_001322004.2, NM_001322005.2 and 1 more transcripts); c.2001G>A, p.Gln667= (NM_001322006.2); c.1839G>A, p.Gln613= (NM_001322007.2, NM_001322008.2); c.1596G>A, p.Gln532= (NM_001322010.2); c.1224G>A, p.Gln408= (NM_001322011.2, NM_001322012.2); c.1584G>A, p.Gln528= (NM_001322013.2); c.2157G>A, p.Gln719= (NM_001322014.2); c.1848G>A, p.Gln616= (NM_001322015.2).
Identifiers: ClinVar variation 484320 (VCV000484320.6), dbSNP rs1554295735, ClinGen allele CA453643000.

ClinVar aggregate classification (germline): Benign/Likely benign. Review status: criteria provided, multiple submitters, no conflicts (2 of 4 stars). 2 submissions from 2 submitters: Benign (1); Likely benign (1). Last evaluated 2025-02-03.

Conditions:
Hereditary cancer-predisposing syndrome. Also called: Neoplastic Syndromes, Hereditary; Tumor predisposition; Hereditary Cancer Syndrome; Hereditary neoplastic syndrome. Identifiers: Orphanet 140162, MedGen C0027672, MeSH D009386, MONDO:0015356.
Lynch syndrome 4 (LYNCH4). Also called: Colorectal cancer, hereditary nonpolyposis, type 4; Hereditary non-polyposis colorectal cancer, type 4. Identifiers: Orphanet 144, MedGen C1838333, MONDO:0013699, OMIM 614337. Disease mechanism: loss of function.

Submissions (2):

Myriad Genetics, Inc.
Classification: Benign for Lynch syndrome 4. Last evaluated: 2025-02-03. Review status: criteria provided, single submitter. Criteria: Myriad Autosomal Dominant, Autosomal Recessive and X-Linked Classification Criteria (2023). Collection method: clinical testing. Allele origin: unknown.
Comment: This variant is considered benign. This variant is a silent/synonymous amino acid change and it is not expected to impact splicing.

Ambry Genetics
Classification: Likely benign for Hereditary cancer-predisposing syndrome. Last evaluated: 2017-06-28. Review status: criteria provided, single submitter. Criteria: Ambry Variant Classification Scheme 2023. Collection method: clinical testing. Allele origin: germline.